The following is an entry in ClinVar:

NM_001384140.1(PCDH15):c.1098+107G>A

Gene: PCDH15 (protocadherin related 15; minus strand). Cytogenetic location: 10q21.1.
Variant type: single nucleotide variant.
Coding change: c.1098+107G>A on transcript NM_001384140.1 (MANE Select); 107 bases into the intron after coding-DNA position 1098, G replaced by A.
Molecular consequence: intron variant.
Genome position (GRCh38, 1-based): chr10:54,213,829, C>T on the plus strand (G>A on the coding strand, the complement: PCDH15 is on the minus strand). VCF-style: chr10-54213829-C-T. GRCh37 (hg19) VCF-style: chr10-55973589-C-T.
Other names: c.1098+107G>A (NM_001142766.2, NM_033056.4, NM_001142764.2 and 7 more transcripts); c.1113+107G>A (NM_001142763.2, NM_001142771.2, NM_001142769.3); c.1032+107G>A (NM_001354404.2, NM_001142773.2, NM_001142768.2); c.987+107G>A (NM_001142767.2).
Identifiers: ClinVar variation 670389 (VCV000670389.1), dbSNP rs10825279, ClinGen allele CA13155380.

ClinVar aggregate classification (germline): Benign (1 of 4 stars; one submission).

Allele frequency attached by ClinVar (database versions not stated): gnomAD 0.51962 and 0.52858; gnomAD exomes 0.57506; 1000 Genomes Project 0.36022; TOPMed 0.50649; 1000 Genomes Project 30x 0.36852.
gnomAD v4.1: 400,796 of 711,780 alleles (56%); highest among the groups gnomAD compares: Non-Finnish European, 65%; 121,772 homozygotes.

Submission:

GeneDx
Classification: Benign. Last evaluated: 2018-06-14. Review status: criteria provided, single submitter. Criteria: GeneDx Variant Classification (06012015). Collection method: clinical testing. Allele origin: germline. Affected: yes.
Comment: This variant is considered likely benign or benign based on one or more of the following criteria: it is a conservative change, it occurs at a poorly conserved position in the protein, it is predicted to be benign by multiple in silico algorithms, and/or has population frequency not consistent with disease.